The following is an entry in ClinVar:

NM_024885.4(TAF7L):c.213C>T (p.Ala71=)

Gene: TAF7L (TATA-box binding protein associated factor 7 like; minus strand). Cytogenetic location: Xq22.1.
Variant type: single nucleotide variant.
Coding change: c.213C>T on transcript NM_024885.4; coding-DNA position 213, C replaced by T.
Protein change: p.Ala71=; no amino-acid change (alanine 71 retained).
Molecular consequence: synonymous variant.
Genome position (GRCh38, 1-based): chrX:101,292,833, G>A on the plus strand (C>T on the coding strand, the complement: TAF7L is on the minus strand). VCF-style: chrX-101292833-G-A. GRCh37 (hg19) VCF-style: chrX-100547821-G-A.
Identifiers: ClinVar variation 100877 (VCV000100877.4), dbSNP rs483352754, ClinGen allele CA229181.

ClinVar aggregate classification (germline): Uncertain significance. Review status: no assertion criteria provided (0 of 4 stars). 2 submissions from 1 submitter: Uncertain significance (1). 1 of the submissions does not count toward it.

Submissions (2):

Richard Lifton Laboratory, Yale University School of Medicine
Classification: Uncertain significance. Review status: no assertion criteria provided. Collection method: not provided. Allele origin: somatic.
Comment: TAF7L:p.A71A
ClinVar note: Converted during submission from unknown to Uncertain significance.

Richard Lifton Laboratory, Yale University School of Medicine
Classification: Uncertain significance. Review status: flagged submission. Collection method: not provided. Allele origin: somatic. Not counted in ClinVar's aggregate classification.
ClinVar note: Converted during submission from unknown to Uncertain significance.
ClinVar note: Reason: This record appears to be redundant with a more recent record from the same submitter.
ClinVar note: Notes: SCV000120102 appears to be redundant with SCV000155206.